The following is an entry in ClinVar:

ClinVar aggregate classification (germline): Likely benign. Review status: criteria provided, multiple submitters, no conflicts (2 of 4 stars). 2 submissions from 2 submitters: Likely benign (2). Last evaluated 2024-06-16.

Conditions:
Charcot-Marie-Tooth disease type 4. Also called: Charcot-Marie-Tooth, Type 4; Charcot-Marie-Tooth disease, type IV. Identifiers: Orphanet 64749, MedGen C4082197, MONDO:0018995.

Allele frequency attached by ClinVar (database versions not stated): ExAC 0.00002; gnomAD exomes 0.00002; TOPMed 0.00004.
gnomAD v4.1: 28 of 1,614,164 alleles (0.0017%); highest among the groups gnomAD compares: Admixed American, 0.0083%; no homozygotes.

Submissions (2):

Labcorp Genetics (formerly Invitae), Labcorp
Classification: Likely benign for Charcot-Marie-Tooth disease type 4. Last evaluated: 2024-06-16. Review status: criteria provided, single submitter. Criteria: Invitae Variant Classification Sherloc (09022015). Collection method: clinical testing. Allele origin: germline.

GeneDx
Classification: Likely benign. Last evaluated: 2018-05-08. Review status: criteria provided, single submitter. Criteria: GeneDx Variant Classification (06012015). Collection method: clinical testing. Allele origin: germline. Affected: yes.
Comment: This variant is considered likely benign or benign based on one or more of the following criteria: it is a conservative change, it occurs at a poorly conserved position in the protein, it is predicted to be benign by multiple in silico algorithms, and/or has population frequency not consistent with disease.

NM_181882.3(PRX):c.2496A>T (p.Val832=)

Gene: PRX (periaxin; minus strand). Cytogenetic location: 19q13.2.
Variant type: single nucleotide variant.
Coding change: c.2496A>T on transcript NM_181882.3 (MANE Select); coding-DNA position 2496, A replaced by T.
Protein change: p.Val832=; no amino-acid change (valine 832 retained).
Molecular consequence: synonymous variant. On other transcripts: 3 prime UTR variant (1).
Genome position (GRCh38, 1-based): chr19:40,395,856, T>A on the plus strand (A>T on the coding strand, the complement: PRX is on the minus strand). VCF-style: chr19-40395856-T-A. GRCh37 (hg19) VCF-style: chr19-40901763-T-A.
Other names: c.*2701A>T (NM_020956.2).
Identifiers: ClinVar variation 668185 (VCV000668185.9), dbSNP rs777527307, ClinGen allele CA9444044.